The following is an entry in ClinVar:

NM_001206927.2(DNAH8):c.4996A>G (p.Thr1666Ala)

Gene: DNAH8 (dynein axonemal heavy chain 8; plus strand). Cytogenetic location: 6p21.2.
Variant type: single nucleotide variant.
Coding change: c.4996A>G on transcript NM_001206927.2 (MANE Select); coding-DNA position 4996, A replaced by G.
Protein change: p.Thr1666Ala; replaces threonine 1666 with alanine.
Molecular consequence: missense variant.
Genome position (GRCh38, 1-based): chr6:38,845,724, A>G. VCF-style: chr6-38845724-A-G. GRCh37 (hg19) VCF-style: chr6-38813500-A-G.
Other names: c.4345A>G, p.Thr1449Ala (NM_001371.4); short protein forms T1666A, T1449A.
Identifiers: ClinVar variation 454575 (VCV000454575.6), dbSNP rs769387808, ClinGen allele CA3789252.
Genomic context (GRCh38, chr6:38,845,724, plus strand): 5'-GCAGCATTTAAGGGAAAAGGAGAGCTCCTGCTCAAAGGAACCGAATCGGGAGAAATTATC[A>G]CTTTGATGGAGGATAGTTTAATGGTCTTAGGGTCTTTACTCAGCAACAGGTAATTTTATA-3'
Protein context (NP_001193856.1, residues 1656-1676): LKGTESGEII[Thr1666Ala]LMEDSLMVLG

ClinVar aggregate classification (germline): Uncertain significance (1 of 4 stars; one submission).

Conditions:
Primary ciliary dyskinesia. Also called: Ciliary dyskinesia. Identifiers: Orphanet 244, MedGen C0008780, MONDO:0016575, HP:0012265.

Allele frequency attached by ClinVar (database versions not stated): gnomAD exomes 0.00002; gnomAD 0.00003 and 0.00004.
gnomAD v4.1: 14 of 1,613,832 alleles (0.00087%); highest among the groups gnomAD compares: Non-Finnish European, 0.001%; no homozygotes.

Submission:

Labcorp Genetics (formerly Invitae), Labcorp
Classification: Uncertain significance for Primary ciliary dyskinesia. Last evaluated: 2021-08-27. Review status: criteria provided, single submitter. Criteria: Invitae Variant Classification Sherloc (09022015). Collection method: clinical testing. Allele origin: germline.
Comment: This sequence change replaces threonine with alanine at codon 1666 of the DNAH8 protein (p.Thr1666Ala). The threonine residue is moderately conserved and there is a small physicochemical difference between threonine and alanine. This variant is present in population databases (rs769387808, ExAC 0.003%). This variant has not been reported in the literature in individuals affected with DNAH8-related conditions. Algorithms developed to predict the effect of missense changes on protein structure and function are either unavailable or do not agree on the potential impact of this missense change (SIFT: "Deleterious"; PolyPhen-2: "Not Available"; Align-GVGD: "Class C0"). In summary, the available evidence is currently insufficient to determine the role of this variant in disease. Therefore, it has been classified as a Variant of Uncertain Significance.